The following is an entry in ClinVar:

NM_001127898.4(CLCN5):c.2180C>G (p.Thr727Ser)

Genes: CLCN5 (Cl-/H+ antiporter 5; plus strand), LOC126863258 (BRD4-independent group 4 enhancer GRCh37_chrX:49854497-49855696; plus strand). Cytogenetic location: Xp11.23.
Variant type: single nucleotide variant.
Coding change: c.2180C>G on transcript NM_001127898.4 (MANE Select); coding-DNA position 2180, C replaced by G.
Protein change: p.Thr727Ser; replaces threonine 727 with serine.
Molecular consequence: missense variant.
Genome position (GRCh38, 1-based): chrX:50,090,706, C>G. VCF-style: chrX-50090706-C-G. GRCh37 (hg19) VCF-style: chrX-49855363-C-G.
Other names: p.Thr657Ser; c.1970C>G, p.Thr657Ser (NM_000084.5); c.2180C>G, p.Thr727Ser (NM_001127899.4); c.2030C>G, p.Thr677Ser (NM_001282163.2); short protein forms T677S, T727S, T657S.
Identifiers: ClinVar variation 730639 (VCV000730639.13), dbSNP rs144207967, ClinGen allele CA10413971.

ClinVar aggregate classification (germline): Benign. Review status: criteria provided, multiple submitters, no conflicts (2 of 4 stars). 3 submissions from 3 submitters: Benign (2). 1 of the submissions does not count toward it. Last evaluated 2026-01-25.

Conditions:
CLCN5-related disorder. Also called: CLCN5-related condition.

Allele frequency attached by ClinVar (database versions not stated): gnomAD exomes 0.00010 and 0.00021; 1000 Genomes Project 30x 0.00021; 1000 Genomes Project 0.00026; ExAC 0.00028; gnomAD 0.00100 and 0.00106; TOPMed 0.00107; ESP Exome Variant Server 0.00142.
gnomAD v4.1: 220 of 1,208,553 alleles (0.018%); highest among the groups gnomAD compares: African/African-American, 0.35%; no homozygotes.

Submissions (3):

Labcorp Genetics (formerly Invitae), Labcorp
Classification: Benign. Last evaluated: 2026-01-25. Review status: criteria provided, single submitter. Criteria: Invitae Variant Classification Sherloc (09022015). Collection method: clinical testing. Allele origin: germline.

Mayo Clinic Laboratories, Mayo Clinic
Classification: Benign. Last evaluated: 2024-12-05. Review status: criteria provided, single submitter. Criteria: ACMG Guidelines, 2015. Collection method: clinical testing. Allele origin: germline. Observed: 1 variant allele.
Comment: BS1, BS3

PreventionGenetics, part of Exact Sciences
Classification: Likely benign for CLCN5-related condition. Last evaluated: 2023-08-23. Review status: no assertion criteria provided. Collection method: clinical testing. Allele origin: germline. Not counted in ClinVar's aggregate classification.
Comment: This variant is classified as likely benign based on ACMG/AMP sequence variant interpretation guidelines (Richards et al. 2015 PMID: 25741868, with internal and published modifications).

Literature cited by the submitters: PubMed 27117801 (cited by Mayo Clinic Laboratories, Mayo Clinic); PubMed 30476936 (cited by Mayo Clinic Laboratories, Mayo Clinic); PubMed 31852738 (cited by Mayo Clinic Laboratories, Mayo Clinic).